The following is an entry in ClinVar:

ClinVar aggregate classification (germline): Uncertain significance (1 of 4 stars; one submission).

Submission:

Labcorp Genetics (formerly Invitae), Labcorp
Classification: Uncertain significance. Last evaluated: 2024-12-02. Review status: criteria provided, single submitter. Criteria: Invitae Variant Classification Sherloc (09022015). Collection method: clinical testing. Allele origin: germline.
Comment: This sequence change replaces proline, which is neutral and non-polar, with leucine, which is neutral and non-polar, at codon 1523 of the EYS protein (p.Pro1523Leu). This variant is not present in population databases (gnomAD no frequency). This variant has not been reported in the literature in individuals affected with EYS-related conditions. ClinVar contains an entry for this variant (Variation ID: 1448112). An algorithm developed to predict the effect of missense changes on protein structure and function outputs the following: PolyPhen-2: "Probably Damaging". The leucine amino acid residue is found in multiple mammalian species, which suggests that this missense change does not adversely affect protein function. In summary, the available evidence is currently insufficient to determine the role of this variant in disease. Therefore, it has been classified as a Variant of Uncertain Significance.

NM_001142800.2(EYS):c.4568C>T (p.Pro1523Leu)

Gene: EYS (EGF-like photoreceptor maintenance factor; minus strand). Cytogenetic location: 6q12.
Variant type: single nucleotide variant.
Coding change: c.4568C>T on transcript NM_001142800.2 (MANE Select); coding-DNA position 4568, C replaced by T.
Protein change: p.Pro1523Leu; replaces proline 1523 with leucine.
Molecular consequence: missense variant.
Genome position (GRCh38, 1-based): chr6:64,591,299, G>A on the plus strand (C>T on the coding strand, the complement: EYS is on the minus strand). VCF-style: chr6-64591299-G-A. GRCh37 (hg19) VCF-style: chr6-65301192-G-A.
Other names: c.4568C>T, p.Pro1523Leu (NM_001292009.2); short protein forms P1523L.
Identifiers: ClinVar variation 1448112 (VCV001448112.8), dbSNP rs2149831989, ClinGen allele CA364783037.
Genomic context (GRCh38, chr6:64,591,299, plus strand): 5'-GATTTGATGTTTGTGAGTCTCTGGTTGCTTGAAGCCTCAGTAATAGCCTGATATTCACTG[G>A]GATTGAAGGCTTTTGTACTGAACCGGTGCAGAGCTGATGAGTTTAAGATGGTTACCTGTT-3'
Protein context (NP_001136272.1, residues 1513-1533): LHRFSTKAFN[Pro1523Leu]SEYQAITEAS